The following is an entry in ClinVar:

ClinVar aggregate classification (germline): Likely benign. Review status: criteria provided, multiple submitters, no conflicts (2 of 4 stars). 2 submissions from 2 submitters: Likely benign (2). Last evaluated 2025-01-08.

Conditions:
PKHD1-related disorder. Also called: PKHD1-related condition.
Autosomal recessive polycystic kidney disease (ARPKD). Also called: AR polycystic kidney disease. Identifiers: Orphanet 731, Orphanet 8378, MedGen C0085548, MeSH D017044, MONDO:0009889.

Allele frequency attached by ClinVar (database versions not stated): ExAC 0.00001; gnomAD 0.00001; 1000 Genomes Project 30x 0.00016; 1000 Genomes Project 0.00020.
gnomAD v4.1: 1 of 1,613,882 alleles (0.000062%); highest among the groups gnomAD compares: African/African-American, 0.0013%; no homozygotes.

Submissions (2):

PreventionGenetics, part of Exact Sciences
Classification: Likely benign for PKHD1-related condition. Last evaluated: 2025-01-08. Review status: criteria provided, single submitter. Criteria: ACMG Guidelines, 2015. Collection method: clinical testing. Allele origin: germline.
Comment: This variant is classified as likely benign based on ACMG/AMP sequence variant interpretation guidelines (Richards et al. 2015 PMID: 25741868, with internal and published modifications).

Labcorp Genetics (formerly Invitae), Labcorp
Classification: Likely benign for Autosomal recessive polycystic kidney disease. Last evaluated: 2022-01-01. Review status: criteria provided, single submitter. Criteria: Invitae Variant Classification Sherloc (09022015). Collection method: clinical testing. Allele origin: germline.

NM_138694.4(PKHD1):c.10143C>T (p.Ser3381=)

Gene: PKHD1 (PKHD1 ciliary IPT domain containing fibrocystin/polyductin; minus strand). Cytogenetic location: 6p12.3.
Variant type: single nucleotide variant.
Coding change: c.10143C>T on transcript NM_138694.4 (MANE Select); coding-DNA position 10143, C replaced by T.
Protein change: p.Ser3381=; no amino-acid change (serine 3381 retained).
Molecular consequence: synonymous variant.
Genome position (GRCh38, 1-based): chr6:51,744,398, G>A on the plus strand (C>T on the coding strand, the complement: PKHD1 is on the minus strand). VCF-style: chr6-51744398-G-A. GRCh37 (hg19) VCF-style: chr6-51609196-G-A.
Other names: c.10143C>T, p.Ser3381= (NM_170724.3); c.10143C>T (NM_138694.3).
Identifiers: ClinVar variation 2068355 (VCV002068355.5), dbSNP rs563531786, ClinGen allele CA3851247.
Genomic context (GRCh38, chr6:51,744,398, plus strand): 5'-AAGCACCCTTGCCTCTACCACAGGCATTGCATTCAGATATAGCTTACCTGCGTTGAAGAA[G>A]GATGCAGTCCATTCTGCCTCTGTTTTAGGAAATACAGAAACTGGTGGAGGCAGACCCAGG-3'
Protein context (NP_619639.3, residues 3371-3391): FPKTEAEWTA[Ser3381=]FFNAGTFREE